The following is an entry in ClinVar:

ClinVar aggregate classification (germline): Uncertain significance (1 of 4 stars; one submission).

Submission:

GeneDx
Classification: Uncertain significance. Last evaluated: 2023-01-19. Review status: criteria provided, single submitter. Criteria: GeneDx Variant Classification Process June 2021. Collection method: clinical testing. Allele origin: germline. Affected: yes.
Comment: Not observed at significant frequency in large population cohorts (gnomAD); In silico analysis supports that this missense variant has a deleterious effect on protein structure/function; Has not been previously published as pathogenic or benign to our knowledge

NM_005422.4(TECTA):c.1976A>G (p.Tyr659Cys)

Genes: TBCEL-TECTA (TBCEL-TECTA readthrough; plus strand), TECTA (tectorin alpha; plus strand). Cytogenetic location: 11q23.3.
Variant type: single nucleotide variant.
Coding change: c.1976A>G on transcript NM_005422.4 (MANE Select); coding-DNA position 1976, A replaced by G.
Protein change: p.Tyr659Cys; replaces tyrosine 659 with cysteine.
Molecular consequence: missense variant.
Genome position (GRCh38, 1-based): chr11:121,127,953, A>G. VCF-style: chr11-121127953-A-G. GRCh37 (hg19) VCF-style: chr11-120998662-A-G.
Other names: c.2933A>G, p.Tyr978Cys (NM_001378761.1); short protein forms Y659C, Y978C.
Identifiers: ClinVar variation 2573681 (VCV002573681.1), dbSNP rs2496921593, ClinGen allele CA383013893.
Genomic context (GRCh38, chr11:121,127,953, plus strand): 5'-TCAGCACCAGCCAGTGCGTCCCTCTGCACAAGTGCGGCTGCGACTTCGACGGCCACTACT[A>G]CACCATGGGGGAGTTCTTCTGGGCCACGGCCAACTGCACTGTGCAATGCCTGTGCGAGGA-3'
Protein context (NP_005413.2, residues 649-669): KCGCDFDGHY[Tyr659Cys]TMGEFFWATA